The following is an entry in ClinVar:

ClinVar aggregate classification (germline): Uncertain significance (1 of 4 stars; one submission).

gnomAD v4.1: 2 of 1,614,078 alleles (0.00012%); highest among the groups gnomAD compares: African/African-American, 0.0013%; no homozygotes.

Submission:

Dasa
Classification: Uncertain significance. Last evaluated: 2025-08-26. Review status: criteria provided, single submitter. Criteria: DASA Assertion Criteria. Collection method: clinical testing. Allele origin: germline.
Comment: NM_005476.7(GNE):c.1669A>G (p.Ile557Val) is a missense variant that results in the substitution of isoleucine with valine. This variant is rare in population databases. The currently available literature and clinical evidence are not sufficient to establish a definitive association between this variant and the reported condition. Therefore, this variant is classified as a variant of uncertain significance.

NM_005476.7(GNE):c.1669A>G (p.Ile557Val)

Gene: GNE (glucosamine (UDP-N-acetyl)-2-epimerase/N-acetylmannosamine kinase; minus strand). Cytogenetic location: 9p13.3.
Variant type: single nucleotide variant.
Coding change: c.1669A>G on transcript NM_005476.7 (MANE Select); coding-DNA position 1669, A replaced by G.
Protein change: p.Ile557Val; replaces isoleucine 557 with valine.
Molecular consequence: missense variant.
Genome position (GRCh38, 1-based): chr9:36,219,985, T>C on the plus strand (A>G on the coding strand, the complement: GNE is on the minus strand). VCF-style: chr9-36219985-T-C. GRCh37 (hg19) VCF-style: chr9-36219982-T-C.
Other names: c.1762A>G, p.Ile588Val (NM_001128227.3); c.1447A>G, p.Ile483Val (NM_001190383.3); c.1339A>G, p.Ile447Val (NM_001190384.3); c.1492A>G, p.Ile498Val (NM_001190388.2, NM_001374798.1); c.1516A>G, p.Ile506Val (NM_001374797.1); short protein forms I447V, I483V, I498V, I506V, I557V, I588V.
Identifiers: ClinVar variation 4885121 (VCV004885121.2).
Genomic context (GRCh38, chr9:36,219,985, plus strand): 5'-GCCCATCCAGAGACACAACAAGGTGGCCCAGTTCTGCAGCACAGAAGGAGCTTCCGTGGA[T>C]CAATTCATGCTGATGGATAATTCCACCACCGATTCCTACAGCGAGGGATAGAAATCACTG-3'
Protein context (NP_005467.1, residues 547-567): GGGIIHQHEL[Ile557Val]HGSSFCAAEL